The following is an entry in ClinVar:

NM_005702.4(ERAL1):c.1011A>C (p.Ala337=)

Genes: ERAL1 (Era like 12S mitochondrial rRNA chaperone 1; plus strand), LOC126862526 (BRD4-independent group 4 enhancer GRCh37_chr17:27185111-27186310; plus strand). Cytogenetic location: 17q11.2.
Variant type: single nucleotide variant.
Coding change: c.1011A>C on transcript NM_005702.4 (MANE Select); coding-DNA position 1011, A replaced by C.
Protein change: p.Ala337=; no amino-acid change (alanine 337 retained).
Molecular consequence: synonymous variant. On other transcripts: non-coding transcript variant (1).
Genome position (GRCh38, 1-based): chr17:28,859,014, A>C. VCF-style: chr17-28859014-A-C. GRCh37 (hg19) VCF-style: chr17-27186032-A-C.
Other names: c.1011A>C (NM_005702.3); c.1008A>C, p.Ala336= (NM_001317985.2); c.762A>C, p.Ala254= (NM_001317986.2).
Identifiers: ClinVar variation 2582955 (VCV002582955.27), dbSNP rs147320768, ClinGen allele CA8468761.

ClinVar aggregate classification (germline): Likely benign. Review status: criteria provided, multiple submitters, no conflicts (2 of 4 stars). 3 submissions from 3 submitters: Likely benign (3). Last evaluated 2025-11-22.

Conditions:
ERAL1-related disorder. Also called: ERAL1-related condition.

Allele frequency attached by ClinVar (database versions not stated): gnomAD 0.00015; TOPMed 0.00034; ExAC 0.00045; 1000 Genomes Project 0.00120; 1000 Genomes Project 30x 0.00125.
gnomAD v4.1: 155 of 1,614,164 alleles (0.0096%); highest among the groups gnomAD compares: East Asian, 0.33%; 1 homozygote.

Submissions (3):

PreventionGenetics, part of Exact Sciences
Classification: Likely benign for ERAL1-related condition. Last evaluated: 2025-11-22. Review status: criteria provided, single submitter. Criteria: ACMG Guidelines, 2015. Collection method: clinical testing. Allele origin: germline.
Comment: This variant is classified as likely benign based on ACMG/AMP sequence variant interpretation guidelines (Richards et al. 2015 PMID: 25741868, with internal and published modifications).

Blueprint Genetics
Classification: Likely benign. Last evaluated: 2024-05-07. Review status: criteria provided, single submitter. Criteria: ACMG Guidelines, 2015. Collection method: clinical testing. Allele origin: germline.

CeGaT Center for Human Genetics Tuebingen
Classification: Likely benign. Last evaluated: 2023-10-01. Review status: criteria provided, single submitter. Criteria: CeGaT Center For Human Genetics Tuebingen Variant Classification Criteria Version 2. Collection method: clinical testing. Allele origin: germline. Affected: yes. Observed: 1 variant allele.
Comment: ERAL1: BP4, BP7